The following is an entry in ClinVar:

NM_004104.5(FASN):c.5336C>G (p.Pro1779Arg)

Gene: FASN (fatty acid synthase; minus strand). Cytogenetic location: 17q25.3.
Variant type: single nucleotide variant.
Coding change: c.5336C>G on transcript NM_004104.5 (MANE Select); coding-DNA position 5336, C replaced by G.
Protein change: p.Pro1779Arg; replaces proline 1779 with arginine.
Molecular consequence: missense variant.
Genome position (GRCh38, 1-based): chr17:82,083,522, G>C on the plus strand (C>G on the coding strand, the complement: FASN is on the minus strand). VCF-style: chr17-82083522-G-C. GRCh37 (hg19) VCF-style: chr17-80041398-G-C.
Other names: short protein forms P1779R.
Identifiers: ClinVar variation 2722254 (VCV002722254.3), dbSNP rs2229426, ClinGen allele CA8851744.

ClinVar aggregate classification (germline): Uncertain significance (1 of 4 stars; one submission).

Conditions:
Epileptic encephalopathy. Identifiers: MedGen C0543888, HP:0200134.

Submission:

Labcorp Genetics (formerly Invitae), Labcorp
Classification: Uncertain significance for Epileptic encephalopathy. Last evaluated: 2024-01-06. Review status: criteria provided, single submitter. Criteria: Invitae Variant Classification Sherloc (09022015). Collection method: clinical testing. Allele origin: germline.
Comment: This sequence change replaces proline, which is neutral and non-polar, with arginine, which is basic and polar, at codon 1779 of the FASN protein (p.Pro1779Arg). This variant is present in population databases (rs2229426, gnomAD 0.005%). This variant has not been reported in the literature in individuals affected with FASN-related conditions. An algorithm developed to predict the effect of missense changes on protein structure and function (PolyPhen-2) suggests that this variant is likely to be disruptive. In summary, the available evidence is currently insufficient to determine the role of this variant in disease. Therefore, it has been classified as a Variant of Uncertain Significance.